The following is an entry in ClinVar:

ClinVar aggregate classification (germline): Uncertain significance (1 of 4 stars; one submission).

Conditions:
Deficiency of acetyl-CoA acetyltransferase. Also called: 3-KETOTHIOLASE DEFICIENCY; 3-OXOTHIOLASE DEFICIENCY; Beta-ketothiolase deficiency; MITOCHONDRIAL ACETOACETYL-CoA THIOLASE DEFICIENCY. Identifiers: Orphanet 134, MedGen C1536500, MONDO:0008760, OMIM 203750. Disease mechanism: loss of function.

Allele frequency attached by ClinVar (database versions not stated): gnomAD exomes below 0.00001; ExAC 0.00002.

Submission:

Labcorp Genetics (formerly Invitae), Labcorp
Classification: Uncertain significance for Deficiency of acetyl-CoA acetyltransferase. Last evaluated: 2026-01-19. Review status: criteria provided, single submitter. Criteria: Invitae Variant Classification Sherloc (09022015). Collection method: clinical testing. Allele origin: germline.
Comment: This sequence change replaces isoleucine, which is neutral and non-polar, with valine, which is neutral and non-polar, at codon 312 of the ACAT1 protein (p.Ile312Val). This variant is present in population databases (rs766323857, gnomAD 0.006%). This variant has not been reported in the literature in individuals affected with ACAT1-related conditions. ClinVar contains an entry for this variant (Variation ID: 1932819). Invitae Evidence Modeling of protein sequence and biophysical properties (such as structural, functional, and spatial information, amino acid conservation, physicochemical variation, residue mobility, and thermodynamic stability) indicates that this missense variant is not expected to disrupt ACAT1 protein function with a negative predictive value of 95%. This variant disrupts the p.Ile312 amino acid residue in ACAT1. Other variant(s) that disrupt this residue have been determined to be pathogenic (PMID: 9744475, 14518824, 25559898). This suggests that this residue is clinically significant, and that variants that disrupt this residue are likely to be disease-causing. In summary, the available evidence is currently insufficient to determine the role of this variant in disease. Therefore, it has been classified as a Variant of Uncertain Significance.

Literature cited by the submitters: PubMed 9744475; PubMed 14518824; PubMed 25559898.

NM_000019.4(ACAT1):c.934A>G (p.Ile312Val)

Gene: ACAT1 (acetyl-CoA acetyltransferase 1; plus strand). Cytogenetic location: 11q22.3.
Variant type: single nucleotide variant.
Coding change: c.934A>G on transcript NM_000019.4 (MANE Select); coding-DNA position 934, A replaced by G.
Protein change: p.Ile312Val; replaces isoleucine 312 with valine.
Molecular consequence: missense variant. On other transcripts: non-coding transcript variant (2).
Genome position (GRCh38, 1-based): chr11:108,142,544, A>G. VCF-style: chr11-108142544-A-G. GRCh37 (hg19) VCF-style: chr11-108013271-A-G.
Other names: c.934A>G, p.Ile312Val (NM_001386677.1); c.619A>G, p.Ile207Val (NM_001386678.1); c.637A>G, p.Ile213Val (NM_001386679.1); c.664A>G, p.Ile222Val (NM_001386681.1, NM_001386682.1, NM_001386685.1 and 6 more transcripts); short protein forms I207V, I213V, I222V, I312V.
Identifiers: ClinVar variation 1932819 (VCV001932819.3), dbSNP rs766323857, ClinGen allele CA6263253.